The following is an entry in ClinVar:

NM_007294.4(BRCA1):c.1232A>T (p.Asp411Val)

Gene: BRCA1 (BRCA1 DNA repair associated; minus strand). Cytogenetic location: 17q21.31.
Variant type: single nucleotide variant.
Coding change: c.1232A>T on transcript NM_007294.4 (MANE Select); coding-DNA position 1232, A replaced by T.
Protein change: p.Asp411Val; replaces aspartic acid 411 with valine.
Molecular consequence: missense variant. On other transcripts: intron variant (137).
Genome position (GRCh38, 1-based): chr17:43,094,299, T>A on the plus strand (A>T on the coding strand, the complement: BRCA1 is on the minus strand). VCF-style: chr17-43094299-T-A. GRCh37 (hg19) VCF-style: chr17-41246316-T-A.
Other names: p.D411V:GAT>GTT; c.1229A>T, p.Asp410Val (NM_001407634.1, NM_001407636.1, NM_001407635.1 and 22 more transcripts); c.787+445A>T (NM_007298.4, NM_001407978.1, NM_001407980.1 and 19 more transcripts); c.709+445A>T (NM_001408411.1, NM_001408414.1, NM_001408412.1 and 2 more transcripts); c.577+445A>T (NM_001408514.1, NM_001408485.1, NM_001408481.1 and 9 more transcripts); c.661+445A>T (NM_001408447.1, NM_001408433.1, NM_001408446.1 and 6 more transcripts); c.643+445A>T (NM_001408462.1, NM_001408470.1, NM_001408464.1 and 3 more transcripts); c.1019A>T, p.Asp340Val (NM_001407917.1, NM_001407918.1, NM_001407571.1 and 9 more transcripts); and 41 more; short protein forms D411V, D364V, D283V, D284V, D341V, D344V, D369V, D410V.
Identifiers: ClinVar variation 182130 (VCV000182130.20), dbSNP rs730881469, ClinGen allele CA000809.

ClinVar aggregate classification (germline): Conflicting classifications of pathogenicity. Review status: criteria provided, conflicting classifications (1 of 4 stars). 6 submissions from 6 submitters: Uncertain significance (3); Likely benign (3). Last evaluated 2024-08-10.

Conditions:
Hereditary cancer-predisposing syndrome. Also called: Tumor predisposition; Hereditary Cancer Syndrome; Hereditary neoplastic syndrome; Neoplastic Syndromes, Hereditary. Identifiers: Orphanet 140162, MedGen C0027672, MeSH D009386, MONDO:0015356.
Hereditary breast ovarian cancer syndrome. Also called: Breast and ovarian cancer; Hereditary breast and ovarian cancer; Hereditary breast and/or ovarian cancer syndrome; BRCA1- and BRCA2-Associated Hereditary Breast and Ovarian Cancer; Hereditary breast and ovarian cancer syndrome (HBOC); Hereditary breast and ovarian cancer syndrome. Identifiers: Orphanet 145, MedGen C0677776, MeSH D061325, MONDO:0003582. Disease mechanism: loss of function.
Familial cancer of breast. Also called: BREAST CANCER, FAMILIAL; Hereditary breast cancer; hereditary breast carcinoma. Identifiers: Orphanet 227535, MedGen C0346153, MONDO:0016419, OMIM 114480. Disease mechanism: loss of function.

Submissions (6):

Ambry Genetics
Classification: Uncertain significance for Hereditary cancer-predisposing syndrome. Last evaluated: 2024-08-10. Review status: criteria provided, single submitter. Criteria: Ambry Variant Classification Scheme 2023. Collection method: clinical testing. Allele origin: germline.
Comment: The p.D411V variant (also known as c.1232A>T), located in coding exon 9 of the BRCA1 gene, results from an A to T substitution at nucleotide position 1232. The aspartic acid at codon 411 is replaced by valine, an amino acid with highly dissimilar properties. This amino acid position is poorly conserved in available vertebrate species. In addition, the in silico prediction for this alteration is inconclusive. Since supporting evidence is limited at this time, the clinical significance of this variant remains unclear.

MGZ Medical Genetics Center
Classification: Likely benign for Familial cancer of breast. Last evaluated: 2024-02-09. Review status: criteria provided, single submitter. Criteria: CSpec BRCA1/2ACMG Rules Specifications V1.1.0. Collection method: clinical testing. Allele origin: germline. Affected: yes.
Comment: ACMG codes applied following ENIGMA VCEP rules: BP1_STR, PM2_SUP

German Consortium for Hereditary Breast and Ovarian Cancer, University Hospital Cologne
Classification: Likely benign for Hereditary breast ovarian cancer syndrome. Last evaluated: 2024-01-08. Review status: criteria provided, single submitter. Criteria: ClinGen BRCA1 V1.0.0. Collection method: curation. Allele origin: germline.
Comment: . According to the ClinGen ENIGMA BRCA1 v1.0.0 criteria we chose this criterium: BP1 (strong benign): BP1_Strong for silent substitution, missense or in-frame insertion, deletion or delins variants outside a (potentially) clinically important functional domain AND no splicing predicted (spliceAI: BRCA1: 0.0)

University of Washington Department of Laboratory Medicine, University of Washington
Classification: Likely benign for Hereditary cancer-predisposing syndrome. Last evaluated: 2023-03-23. Review status: criteria provided, single submitter. Criteria: Dines et al. (Genet Med. 2020). Collection method: curation. Allele origin: germline.
Comment: Missense variant in a coldspot region where missense variants are very unlikely to be pathogenic (PMID:31911673).

BRCA1 coldspot (exon 11 using historical exon numbering). Reclassification based on statistical prior probability

Labcorp Genetics (formerly Invitae), Labcorp
Classification: Uncertain significance for Hereditary breast ovarian cancer syndrome. Last evaluated: 2021-08-27. Review status: criteria provided, single submitter. Criteria: Invitae Variant Classification Sherloc (09022015). Collection method: clinical testing. Allele origin: germline.
Comment: In summary, the available evidence is currently insufficient to determine the role of this variant in disease. Therefore, it has been classified as a Variant of Uncertain Significance. Advanced modeling of protein sequence and biophysical properties (such as structural, functional, and spatial information, amino acid conservation, physicochemical variation, residue mobility, and thermodynamic stability) performed at Invitae indicates that this missense variant is not expected to disrupt BRCA1 protein function. This variant has not been reported in the literature in individuals with BRCA1-related conditions. ClinVar contains an entry for this variant (Variation ID: 182130). This variant is not present in population databases (ExAC no frequency). This sequence change replaces aspartic acid with valine at codon 411 of the BRCA1 protein (p.Asp411Val). The aspartic acid residue is weakly conserved and there is a large physicochemical difference between aspartic acid and valine.

GeneDx
Classification: Uncertain significance. Last evaluated: 2016-04-20. Review status: criteria provided, single submitter. Criteria: GeneDx Variant Classification (06012015). Collection method: clinical testing. Allele origin: germline. Affected: yes.
Comment: This variant is denoted BRCA1 c.1232A>T at the cDNA level, p.Asp411Val (D411V) at the protein level, and results in the change of an Aspartic Acid to a Valine (GAT>GTT). Using alternate nomenclature, this variant would be defined as 1351A>T. This variant has not, to our knowledge, been published in the literature as pathogenic or benign. BRCA1 Asp411Val was not observed in approximately 6,500 individuals of European and African American ancestry in the NHLBI Exome Sequencing Project, suggesting it is not a common benign variant in these populations. Since Aspartic Acid and Valine differ in polarity, charge, size or other properties, this is considered a non-conservative amino acid substitution. BRCA1 Asp411Val occurs at a position that is not conserved and is located in a region known to interact with multiple proteins (Paul 2014). In silico analyses predict that this variant is unlikely to alter protein structure or function. Based on currently available information, it is unclear whether BRCA1 Asp411Val is pathogenic or benign. We consider it to be a variant of uncertain significance.